The following is an entry in ClinVar:

ClinVar aggregate classification (germline): Uncertain significance (1 of 4 stars; one submission).

Allele frequency attached by ClinVar (database versions not stated): gnomAD exomes below 0.00001.

Submission:

Women's Health and Genetics/Laboratory Corporation of America, LabCorp
Classification: Uncertain significance. Last evaluated: 2024-04-30. Review status: criteria provided, single submitter. Criteria: LabCorp Variant Classification Summary - May 2015. Collection method: clinical testing. Allele origin: germline.
Comment: Variant summary: ASS1 c.558G>A (p.Met186Ile) results in a conservative amino acid change located in the Arginosuccinate synthase C-terminal domain (IPR048268) of the encoded protein sequence. Three of five in-silico tools predict a damaging effect of the variant on protein function. The variant allele was found at a frequency of 4e-06 in 251446 control chromosomes (gnomAD). The available data on variant occurrences in the general population are insufficient to allow any conclusion about variant significance. To our knowledge, no occurrence of c.558G>A in individuals affected with Citrullinemia Type I and no experimental evidence demonstrating its impact on protein function have been reported. No submitters have cited clinical-significance assessments for this variant to ClinVar. Based on the evidence outlined above, the variant was classified as uncertain significance.

NM_054012.4(ASS1):c.558G>A (p.Met186Ile)

Gene: ASS1 (argininosuccinate synthase 1; plus strand). Cytogenetic location: 9q34.11.
Variant type: single nucleotide variant.
Coding change: c.558G>A on transcript NM_054012.4 (MANE Select); coding-DNA position 558, G replaced by A.
Protein change: p.Met186Ile; replaces methionine 186 with isoleucine.
Molecular consequence: missense variant.
Genome position (GRCh38, 1-based): chr9:130,470,896, G>A. VCF-style: chr9-130470896-G-A. GRCh37 (hg19) VCF-style: chr9-133346283-G-A.
Other names: c.558G>A, p.Met186Ile (NM_000050.4); short protein forms M186I.
Identifiers: ClinVar variation 3251713 (VCV003251713.1), dbSNP rs1380426442.